The following is an entry in ClinVar:

NM_001845.6(COL4A1):c.3686A>G (p.His1229Arg)

Gene: COL4A1 (collagen type IV alpha 1 chain; minus strand). Cytogenetic location: 13q34.
Variant type: single nucleotide variant.
Coding change: c.3686A>G on transcript NM_001845.6 (MANE Select); coding-DNA position 3686, A replaced by G.
Protein change: p.His1229Arg; replaces histidine 1229 with arginine.
Molecular consequence: missense variant.
Genome position (GRCh38, 1-based): chr13:110,170,603, T>C on the plus strand (A>G on the coding strand, the complement: COL4A1 is on the minus strand). VCF-style: chr13-110170603-T-C. GRCh37 (hg19) VCF-style: chr13-110822950-T-C.
Other names: short protein forms H1229R.
Identifiers: ClinVar variation 1940637 (VCV001940637.5), dbSNP rs1201241878, ClinGen allele CA388662412.

ClinVar aggregate classification (germline): Uncertain significance (1 of 4 stars; one submission).

Allele frequency attached by ClinVar (database versions not stated): gnomAD exomes below 0.00001.
gnomAD v4.1: 3 of 1,611,680 alleles (0.00019%); highest among the groups gnomAD compares: African/African-American, 0.0027%; no homozygotes.

Submission:

Labcorp Genetics (formerly Invitae), Labcorp
Classification: Uncertain significance. Last evaluated: 2024-11-05. Review status: criteria provided, single submitter. Criteria: Invitae Variant Classification Sherloc (09022015). Collection method: clinical testing. Allele origin: germline.
Comment: This sequence change replaces histidine, which is basic and polar, with arginine, which is basic and polar, at codon 1229 of the COL4A1 protein (p.His1229Arg). This variant is present in population databases (no rsID available, gnomAD 0.007%). This variant has not been reported in the literature in individuals affected with COL4A1-related conditions. ClinVar contains an entry for this variant (Variation ID: 1940637). Invitae Evidence Modeling of protein sequence and biophysical properties (such as structural, functional, and spatial information, amino acid conservation, physicochemical variation, residue mobility, and thermodynamic stability) indicates that this missense variant is not expected to disrupt COL4A1 protein function with a negative predictive value of 95%. In summary, the available evidence is currently insufficient to determine the role of this variant in disease. Therefore, it has been classified as a Variant of Uncertain Significance.